The following is an entry in ClinVar:

NM_001849.4(COL6A2):c.2757A>G (p.Ala919=)

Gene: COL6A2 (collagen type VI alpha 2 chain; plus strand). Cytogenetic location: 21q22.3.
Variant type: single nucleotide variant.
Coding change: c.2757A>G on transcript NM_001849.4 (MANE Select); coding-DNA position 2757, A replaced by G.
Protein change: p.Ala919=; no amino-acid change (alanine 919 retained).
Molecular consequence: synonymous variant.
Genome position (GRCh38, 1-based): chr21:46,132,249, A>G. VCF-style: chr21-46132249-A-G. GRCh37 (hg19) VCF-style: chr21-47552163-A-G.
Other names: p.Ala919=; c.2757A>G (NM_001849.3).
Identifiers: ClinVar variation 1086742 (VCV001086742.16), dbSNP rs758646770, ClinGen allele CA10073009.

ClinVar aggregate classification (germline): Likely benign. Review status: criteria provided, multiple submitters, no conflicts (2 of 4 stars). 4 submissions from 4 submitters: Likely benign (3). 1 of the submissions does not count toward it. Last evaluated 2026-01-01.

Conditions:
COL6A2-related disorder.
Bethlem myopathy 1A. Also called: Bethlem myopathy 1; Bethlem Muscular Dystrophy; MYOPATHY, BENIGN CONGENITAL, WITH CONTRACTURES. Identifiers: Orphanet 610, MedGen CN029274, MONDO:0024530, OMIM 158810.

Allele frequency attached by ClinVar (database versions not stated): ExAC 0.00003; gnomAD exomes 0.00003; gnomAD 0.00005; TOPMed 0.00006.
gnomAD v4.1: 55 of 1,604,668 alleles (0.0034%); highest among the groups gnomAD compares: Middle Eastern, 0.033%; no homozygotes.

Submissions (4):

CeGaT Center for Human Genetics Tuebingen
Classification: Likely benign. Last evaluated: 2026-01-01. Review status: criteria provided, single submitter. Criteria: CeGaT Center For Human Genetics Tuebingen Variant Classification Criteria Version 2. Collection method: clinical testing. Allele origin: germline. Affected: yes. Observed: 1 variant allele.
Comment: COL6A2: BP4, BP7

Labcorp Genetics (formerly Invitae), Labcorp
Classification: Likely benign for Bethlem myopathy 1A. Last evaluated: 2025-10-02. Review status: criteria provided, single submitter. Criteria: Invitae Variant Classification Sherloc (09022015). Collection method: clinical testing. Allele origin: germline.

Mayo Clinic Laboratories, Mayo Clinic
Classification: Likely benign. Last evaluated: 2025-07-18. Review status: criteria provided, single submitter. Criteria: ACMG Guidelines, 2015. Collection method: clinical testing. Allele origin: germline. Observed: 1 variant allele.
Comment: BP4, BP7

PreventionGenetics, part of Exact Sciences
Classification: Likely benign for COL6A2-related condition. Last evaluated: 2021-04-06. Review status: no assertion criteria provided. Collection method: clinical testing. Allele origin: germline. Not counted in ClinVar's aggregate classification.
Comment: This variant is classified as likely benign based on ACMG/AMP sequence variant interpretation guidelines (Richards et al. 2015 PMID: 25741868, with internal and published modifications).